The following is an entry in ClinVar:

ClinVar aggregate classification (germline): Pathogenic. Review status: criteria provided, multiple submitters, no conflicts (2 of 4 stars). 3 submissions from 3 submitters: Pathogenic (3). Last evaluated 2026-03-10.

Conditions:
Duchenne muscular dystrophy (DMD). Also called: MUSCULAR DYSTROPHY, PSEUDOHYPERTROPHIC PROGRESSIVE, DUCHENNE TYPE; Duchenne Muscular Dystrophy (DMD). Identifiers: Orphanet 98896, MedGen C0013264, MONDO:0010679, OMIM 310200.

Submissions (3):

GeneDx
Classification: Pathogenic. Last evaluated: 2026-03-10. Review status: criteria provided, single submitter. Criteria: GeneDx Variant Classification Process June 2021. Collection method: clinical testing. Allele origin: germline.
Comment: Nonsense variant predicted to result in protein truncation or nonsense mediated decay in a gene for which loss of function is a known mechanism of disease; Not observed at significant frequency in large population cohorts (gnomAD); Based on the understanding of this genetic alteration, it may be amenable to nonsense read-through therapy that is currently available or in clinical trial; This variant is associated with the following publications: (PMID: 25525159, 12233050, 32906206, 28859693)

ARUP Laboratories, Molecular Genetics and Genomics, ARUP Laboratories
Classification: Pathogenic. Last evaluated: 2017-02-21. Review status: criteria provided, single submitter. Criteria: ARUP Molecular Germline Variant Investigation Process. Collection method: clinical testing. Allele origin: germline.

Athena Diagnostics
Classification: Pathogenic for Duchenne muscular dystrophy. Last evaluated: 2012-09-17. Review status: criteria provided, single submitter. Criteria: Athena Diagnostics Criteria. Collection method: clinical testing. Allele origin: germline. Inheritance: X-linked recessive inheritance.
Comment: X-linked recessive inheritance

Literature cited by the submitters: PubMed 18652600 (cited by Athena Diagnostics); PubMed 20485447 (cited by Athena Diagnostics).

NM_004006.3(DMD):c.5350G>T (p.Glu1784Ter)

Gene: DMD (dystrophin; minus strand). Cytogenetic location: Xp21.1.
Variant type: single nucleotide variant.
Coding change: c.5350G>T on transcript NM_004006.3 (MANE Select); coding-DNA position 5350, G replaced by T.
Protein change: p.Glu1784Ter; replaces glutamic acid 1784 with a stop codon.
Molecular consequence: nonsense.
Genome position (GRCh38, 1-based): chrX:32,348,504, C>A on the plus strand (G>T on the coding strand, the complement: DMD is on the minus strand). VCF-style: chrX-32348504-C-A. GRCh37 (hg19) VCF-style: chrX-32366621-C-A.
Other names: c.5326G>T, p.Glu1776Ter (NM_000109.4); c.5338G>T, p.Glu1780Ter (NM_004009.3); c.4981G>T, p.Glu1661Ter (NM_004010.3); c.1327G>T, p.Glu443Ter (NM_004011.4); c.1318G>T, p.Glu440Ter (NM_004012.4); short protein forms E1784*, E1776*, E1661*, E1780*, E440*, E443*.
Identifiers: ClinVar variation 217202 (VCV000217202.11), dbSNP rs777864641, ClinGen allele CA347488.